The following is an entry in ClinVar:

NM_005210.4(CRYGB):c.251C>T (p.Pro84Leu)

Genes: CRYGB (crystallin gamma B; minus strand), LOC100507443 (uncharacterized LOC100507443; plus strand). Cytogenetic location: 2q33.3.
Variant type: single nucleotide variant.
Coding change: c.251C>T on transcript NM_005210.4 (MANE Select); coding-DNA position 251, C replaced by T.
Protein change: p.Pro84Leu; replaces proline 84 with leucine.
Molecular consequence: missense variant.
Genome position (GRCh38, 1-based): chr2:208,145,775, G>A on the plus strand (C>T on the coding strand, the complement: CRYGB is on the minus strand). VCF-style: chr2-208145775-G-A. GRCh37 (hg19) VCF-style: chr2-209010499-G-A.
Other names: c.251C>T (NM_005210.3); short protein forms P84L.
Identifiers: ClinVar variation 1413387 (VCV001413387.8), dbSNP rs200143566, ClinGen allele CA2078110.

ClinVar aggregate classification (germline): Uncertain significance. Review status: criteria provided, multiple submitters, no conflicts (2 of 4 stars). 2 submissions from 2 submitters: Uncertain significance (2). Last evaluated 2025-08-09.

Conditions:
Cataract 39 multiple types. Also called: Cataract 39, multiple types, autosomal dominant. Identifiers: Orphanet 91492, MedGen C3808800, MONDO:0014075, OMIM 615188.

Allele frequency attached by ClinVar (database versions not stated): ExAC 0.00009.
gnomAD v4.1: 240 of 1,611,560 alleles (0.015%); highest among the groups gnomAD compares: Middle Eastern, 0.2%; no homozygotes.

Submissions (2):

Ambry Genetics
Classification: Uncertain significance. Last evaluated: 2025-08-09. Review status: criteria provided, single submitter. Criteria: Ambry Variant Classification Scheme 2023. Collection method: clinical testing. Allele origin: germline.

Labcorp Genetics (formerly Invitae), Labcorp
Classification: Uncertain significance for Cataract 39 multiple types. Last evaluated: 2022-01-16. Review status: criteria provided, single submitter. Criteria: Invitae Variant Classification Sherloc (09022015). Collection method: clinical testing. Allele origin: germline.
Comment: In summary, the available evidence is currently insufficient to determine the role of this variant in disease. Therefore, it has been classified as a Variant of Uncertain Significance. Algorithms developed to predict the effect of missense changes on protein structure and function (SIFT, PolyPhen-2, Align-GVGD) all suggest that this variant is likely to be tolerated. This variant has not been reported in the literature in individuals affected with CRYGB-related conditions. This variant is present in population databases (rs200143566, gnomAD 0.02%). This sequence change replaces proline, which is neutral and non-polar, with leucine, which is neutral and non-polar, at codon 84 of the CRYGB protein (p.Pro84Leu).